The following is an entry in ClinVar:

ClinVar aggregate classification (germline): Conflicting classifications of pathogenicity. Review status: criteria provided, conflicting classifications (1 of 4 stars). 2 submissions from 2 submitters: Likely pathogenic (1); Uncertain significance (1). Last evaluated 2025-07-30.

Conditions:
Mucopolysaccharidosis type 6 (MPS6). Also called: N-ACETYLGALACTOSAMINE-4-SULFATASE DEFICIENCY; MPS VI; MPS 6; Maroteaux Lamy syndrome; ARSB DEFICIENCY; ARYLSULFATASE B DEFICIENCY. Identifiers: Orphanet 583, MedGen C0026709, MONDO:0009661, OMIM 253200.

Submissions (2):

Natera, Inc.
Classification: Likely pathogenic for Mucopolysaccharidosis type VI. Last evaluated: 2025-07-30. Review status: criteria provided, single submitter. Criteria: Natera Variant Classification Schema (03/2026). Collection method: clinical testing. Allele origin: germline.
Comment: The c.922G>A variant in ARSB is a missense variant predicted to cause substitution of glycine to arginine at amino acid 308. This variant is rare in the general population with a frequency below the threshold expected for the associated phenotype(s). This variant has been observed in one or more individuals affected with the associated recessive disease, as either homozygous or compound heterozygous with a second variant (PMID: 17643332). Functional studies show that this variant may disrupt protein function (PMID: 18406185). A different variant at the same position has been determined to be Pathogenic or Likely Pathogenic. Computational prediction algorithms indicate this variant is likely to affect gene or protein function. Given the available evidence, this variant is classified as Likely Pathogenic.

Laboratory of Diagnosis and Therapy of Lysosomal Disorders, University of Padova
Classification: Uncertain significance for Mucopolysaccharidosis type 6. Last evaluated: 2018-01-01. Review status: criteria provided, single submitter. Criteria: ACMG Guidelines, 2015. Collection method: curation. Allele origin: germline. Affected: yes.
Comment: Absent from GnomAD (PM2)

Literature cited by the submitters: PubMed 17643332 (cited by Natera, Inc. and Laboratory of Diagnosis and Therapy of Lysosomal Disorders, University of Padova); PubMed 18406185 (cited by Natera, Inc. and Laboratory of Diagnosis and Therapy of Lysosomal Disorders, University of Padova); PubMed 30118150 (cited by Laboratory of Diagnosis and Therapy of Lysosomal Disorders, University of Padova).

NM_000046.5(ARSB):c.922G>A (p.Gly308Arg)

Gene: ARSB (arylsulfatase B; minus strand). Cytogenetic location: 5q14.1.
Variant type: single nucleotide variant.
Coding change: c.922G>A on transcript NM_000046.5 (MANE Select); coding-DNA position 922, G replaced by A.
Protein change: p.Gly308Arg; replaces glycine 308 with arginine.
Molecular consequence: missense variant.
Genome position (GRCh38, 1-based): chr5:78,885,804, C>T on the plus strand (G>A on the coding strand, the complement: ARSB is on the minus strand). VCF-style: chr5-78885804-C-T. GRCh37 (hg19) VCF-style: chr5-78181627-C-T.
Other names: c.922G>A, p.Gly308Arg (NM_198709.3); short protein forms G308R.
Identifiers: ClinVar variation 559824 (VCV000559824.2), dbSNP rs1554079335, ClinGen allele CA360343482.